The following is an entry in ClinVar:

ClinVar aggregate classification (germline): Pathogenic (1 of 4 stars; one submission).

Submission:

GeneDx
Classification: Pathogenic. Last evaluated: 2018-03-13. Review status: criteria provided, single submitter. Criteria: GeneDx Variant Classification (06012015). Collection method: clinical testing. Allele origin: germline. Affected: yes.
Comment: The c.878delC variant in the MED13L gene has not been reported previously as a pathogenic variant nor as a benign variant, to our knowledge. The c.878delC variant causes a frameshift starting with codon Proline 293, changes this amino acid to an Arginine residue, and creates a premature Stop codon at position 23 of the new reading frame, denoted p.Pro293ArgfsX23. This variant is predicted to cause loss of normal protein function either through protein truncation or nonsense-mediated mRNA decay. The c.878delC variant is not observed in large population cohorts (Lek et al., 2016). We interpret c.878delC as a pathogenic variant consistent with the clinical features reported in this individual.

NM_015335.5(MED13L):c.878del (p.Pro293fs)

Gene: MED13L (mediator complex subunit 13L; minus strand). Cytogenetic location: 12q24.21.
Variant type: Deletion.
Coding change: c.878del on transcript NM_015335.5 (MANE Select); coding-DNA position 878, one base deleted (C; older notation c.878delC).
Protein change: p.Pro293fs; shifts the reading frame from proline 293.
Molecular consequence: frameshift variant.
Genome position (GRCh38, 1-based): chr12:116,019,355, G deleted on the plus strand (C on the coding strand, the reverse complement: MED13L is on the minus strand); the first of 3 consecutive G bases (chr12:116,019,355-116,019,357); deleting any one gives the same sequence. VCF-style (leftmost placement, unchanged base first): chr12-116019354-CG-C. GRCh37 (hg19) VCF-style: chr12-116457159-CG-C.
Other names: c.878delC (NM_015335.4); short protein forms P293fs.
Identifiers: ClinVar variation 524009 (VCV000524009.2), dbSNP rs1555249561, ClinGen allele CA658797960.